The following is an entry in ClinVar:

ClinVar aggregate classification (germline): Pathogenic (1 of 4 stars; one submission).

Conditions:
Primary ciliary dyskinesia 3. Identifiers: Orphanet 244, MedGen C1837618, MONDO:0012085, OMIM 608644.

Submission:

Myriad Genetics, Inc.
Classification: Pathogenic for Primary ciliary dyskinesia 3. Last evaluated: 2024-05-14. Review status: criteria provided, single submitter. Criteria: Myriad Autosomal Dominant, Autosomal Recessive and X-Linked Classification Criteria (2023). Collection method: clinical testing. Allele origin: unknown.
Comment: NM_001369.2(DNAH5):c.5398_5400del3ins14(H1801Sfs*7) is expected to be pathogenic in the context of primary ciliary dyskinesia, DNAH5-related. This variant is predicted to lead to an abnormal or absent protein product due to the creation of a premature termination codon in DNAH5, a gene where loss-of-function variants are known to be pathogenic. Please note: this variant was assessed in the context of healthy population screening.

NM_001369.3(DNAH5):c.5398_5400delinsCTGTCTCTTATACA (p.His1801fs)

Gene: DNAH5 (dynein axonemal heavy chain 5; minus strand). Cytogenetic location: 5p15.2.
Variant type: Indel.
Coding change: c.5398_5400delinsCTGTCTCTTATACA on transcript NM_001369.3 (MANE Select); coding-DNA positions 5398 to 5400, TTG replaced by CTGTCTCTTATACA.
Protein change: p.His1801fs; shifts the reading frame from histidine 1801.
Molecular consequence: frameshift variant.
Genome position (GRCh38, 1-based): chr5:13,841,776-13,841,778, CAA replaced by TGTATAAGAGACAG on the plus strand (TTG replaced by CTGTCTCTTATACA on the coding strand, the reverse complement: DNAH5 is on the minus strand). VCF-style: chr5-13841776-CAA-TGTATAAGAGACAG. GRCh37 (hg19) VCF-style: chr5-13841885-CAA-TGTATAAGAGACAG.
Other names: short protein forms H1801fs.
Identifiers: ClinVar variation 5010471 (VCV005010471.1).